The following is an entry in ClinVar:

ClinVar aggregate classification (germline): Likely pathogenic (1 of 4 stars; one submission).

Conditions:
Charlevoix-Saguenay spastic ataxia (SACS). Also called: SPASTIC ATAXIA 6, AUTOSOMAL RECESSIVE; AUTOSOMAL RECESSIVE SPASTIC ATAXIA OF CHARLEVOIX-SAGUENAY; Spastic ataxia of Charlevoix-Saguenay. Identifiers: Orphanet 98, MedGen C1849140, MONDO:0010041, OMIM 270550.

Submission:

Myriad Genetics, Inc.
Classification: Likely pathogenic for Charlevoix-Saguenay spastic ataxia. Last evaluated: 2022-03-02. Review status: criteria provided, single submitter. Criteria: Myriad Women's Health Autosomal Recessive and X-Linked Classification Criteria (2021). Collection method: clinical testing. Allele origin: unknown.
Comment: NM_014363.4(SACS):c.998_999delTG(V333Dfs*4) is expected to be pathogenic in the context of autosomal recessive spastic ataxia of Charlevoix-Saguenay. This variant is predicted to lead to an abnormal or absent protein product due to the creation of a premature termination codon in SACS, a gene where loss-of-function variants are known to be pathogenic. Please note: this variant was assessed in the context of healthy population screening.

NM_014363.6(SACS):c.998_999del (p.Val333fs)

Gene: SACS (sacsin molecular chaperone; minus strand). Cytogenetic location: 13q12.12.
Variant type: Deletion.
Coding change: c.998_999del on transcript NM_014363.6 (MANE Select); coding-DNA positions 998 to 999, 2 bases deleted (TG; older notation c.998_999delTG).
Protein change: p.Val333fs; shifts the reading frame from valine 333.
Molecular consequence: frameshift variant.
Genome position (GRCh38, 1-based): chr13:23,355,613-23,355,614, CA deleted on the plus strand (TG on the coding strand, the reverse complement: SACS is on the minus strand); deleting any 2 consecutive bases within chr13:23,355,613-23,355,615 gives the same sequence; the c. name uses the placement nearest the transcript's 3' end. VCF-style (leftmost placement, unchanged base first): chr13-23355612-TCA-T. GRCh37 (hg19) VCF-style: chr13-23929751-TCA-T.
Other names: c.557_558del, p.Val186fs (NM_001278055.2); short protein forms V186fs, V333fs.
Identifiers: ClinVar variation 1724894 (VCV001724894.2), dbSNP rs2542400785, ClinGen allele CA2580086868.
Genomic context (GRCh38, chr13:23,355,612, plus strand): 5'-TTCCCAGAATCTTTATAGAATTCGGCCGCTCATGTTTCAGTGCCTTACTCTCACTCGAAG[TCA>T]CTCTAAACACCAGTTTCTCTGTTCCGTCAGCCTCTCGGACATATAAGGAAACATCCTGCA-3'